The following is an entry in ClinVar:

ClinVar aggregate classification (germline): Conflicting classifications of pathogenicity. Review status: criteria provided, conflicting classifications (1 of 4 stars). 3 submissions from 3 submitters: Uncertain significance (2); Likely benign (1). Last evaluated 2025-08-09.

Conditions:
Epilepsy, familial focal, with variable foci 3 (FFEVF3). Identifiers: MedGen C4310708, MONDO:0014925, OMIM 617118.
Inborn genetic diseases. Identifiers: MedGen C0950123, MeSH D030342.

Allele frequency attached by ClinVar (database versions not stated): gnomAD exomes 0.00001 and 0.00002; ExAC 0.00006; ESP Exome Variant Server 0.00008; gnomAD 0.00013 and 0.00014; 1000 Genomes Project 30x 0.00016; TOPMed 0.00016; 1000 Genomes Project 0.00020.
gnomAD v4.1: 40 of 1,612,330 alleles (0.0025%); highest among the groups gnomAD compares: African/African-American, 0.052%; no homozygotes.

Submissions (3):

Labcorp Genetics (formerly Invitae), Labcorp
Classification: Uncertain significance for Epilepsy, familial focal, with variable foci 3. Last evaluated: 2025-08-09. Review status: criteria provided, single submitter. Criteria: Invitae Variant Classification Sherloc (09022015). Collection method: clinical testing. Allele origin: germline.
Comment: This sequence change replaces lysine, which is basic and polar, with asparagine, which is neutral and polar, at codon 199 of the NPRL3 protein (p.Lys199Asn). This variant is present in population databases (rs186859701, gnomAD 0.04%). This variant has not been reported in the literature in individuals affected with NPRL3-related conditions. ClinVar contains an entry for this variant (Variation ID: 655643). Invitae Evidence Modeling of protein sequence and biophysical properties (such as structural, functional, and spatial information, amino acid conservation, physicochemical variation, residue mobility, and thermodynamic stability) indicates that this missense variant is not expected to disrupt NPRL3 protein function with a negative predictive value of 80%. In summary, the available evidence is currently insufficient to determine the role of this variant in disease. Therefore, it has been classified as a Variant of Uncertain Significance.

Women's Health and Genetics/Laboratory Corporation of America, LabCorp
Classification: Uncertain significance. Last evaluated: 2024-05-23. Review status: criteria provided, single submitter. Criteria: LabCorp Variant Classification Summary - May 2015. Collection method: clinical testing. Allele origin: germline.
Comment: Variant summary: NPRL3 c.597G>C (p.Lys199Asn) results in a non-conservative amino acid change in the encoded protein sequence. Three of five in-silico tools predict a damaging effect of the variant on protein function. The variant allele was found at a frequency of 2.4e-05 in 246208 control chromosomes. The available data on variant occurrences in the general population are insufficient to allow any conclusion about variant significance. To our knowledge, no occurrence of c.597G>C in individuals affected with Epilepsy, Familial Focal, With Variable Foci 1 and no experimental evidence demonstrating its impact on protein function have been reported. ClinVar contains an entry for this variant (Variation ID: 655643). Based on the evidence outlined above, the variant was classified as uncertain significance.

Ambry Genetics
Classification: Likely benign for Inborn genetic diseases. Last evaluated: 2024-02-27. Review status: criteria provided, single submitter. Criteria: Ambry Variant Classification Scheme 2023. Collection method: clinical testing. Allele origin: germline.

NM_001077350.3(NPRL3):c.597G>C (p.Lys199Asn)

Genes: HBA-LCR (alpha-globin locus control region; plus strand), NPRL3 (NPR3 like, GATOR1 complex subunit; minus strand). Cytogenetic location: 16p13.3.
Variant type: single nucleotide variant.
Coding change: c.597G>C on transcript NM_001077350.3 (MANE Select); coding-DNA position 597, G replaced by C.
Protein change: p.Lys199Asn; replaces lysine 199 with asparagine.
Molecular consequence: missense variant.
Genome position (GRCh38, 1-based): chr16:110,557, C>G on the plus strand (G>C on the coding strand, the complement: NPRL3 is on the minus strand). VCF-style: chr16-110557-C-G. GRCh37 (hg19) VCF-style: chr16-160555-C-G.
Other names: c.60G>C, p.Lys20Asn (NM_001039476.3); c.363G>C, p.Lys121Asn (NM_001243247.2); c.522G>C, p.Lys174Asn (NM_001243248.2, NM_001243249.2); short protein forms K20N, K199N, K121N, K174N.
Identifiers: ClinVar variation 655643 (VCV000655643.13), dbSNP rs186859701, ClinGen allele CA7769614.